The following is an entry in ClinVar:

ClinVar aggregate classification (germline): Uncertain significance (1 of 4 stars; one submission).

Conditions:
Idiopathic generalized epilepsy. Also called: Generalised epilepsy; EIG. Identifiers: MedGen C0270850, MONDO:0005579, OMIM 600669.

Allele frequency attached by ClinVar (database versions not stated): gnomAD exomes below 0.00001; TOPMed below 0.00001; gnomAD 0.00001.

Submission:

Labcorp Genetics (formerly Invitae), Labcorp
Classification: Uncertain significance for Idiopathic generalized epilepsy. Last evaluated: 2022-11-08. Review status: criteria provided, single submitter. Criteria: Invitae Variant Classification Sherloc (09022015). Collection method: clinical testing. Allele origin: germline.
Comment: In summary, the available evidence is currently insufficient to determine the role of this variant in disease. Therefore, it has been classified as a Variant of Uncertain Significance. Algorithms developed to predict the effect of missense changes on protein structure and function (SIFT, PolyPhen-2, Align-GVGD) all suggest that this variant is likely to be disruptive. This variant has not been reported in the literature in individuals affected with GABRD-related conditions. This variant is not present in population databases (gnomAD no frequency). This sequence change replaces lysine, which is basic and polar, with threonine, which is neutral and polar, at codon 130 of the GABRD protein (p.Lys130Thr).

NM_000815.5(GABRD):c.389A>C (p.Lys130Thr)

Gene: GABRD (gamma-aminobutyric acid type A receptor subunit delta; plus strand). Cytogenetic location: 1p36.33.
Variant type: single nucleotide variant.
Coding change: c.389A>C on transcript NM_000815.5 (MANE Select); coding-DNA position 389, A replaced by C.
Protein change: p.Lys130Thr; replaces lysine 130 with threonine.
Molecular consequence: missense variant.
Genome position (GRCh38, 1-based): chr1:2,025,657, A>C. VCF-style: chr1-2025657-A-C. GRCh37 (hg19) VCF-style: chr1-1957096-A-C.
Other names: short protein forms K130T.
Identifiers: ClinVar variation 2008930 (VCV002008930.4), dbSNP rs1658902440, ClinGen allele CA337957346.